The following is an entry in ClinVar:

ClinVar aggregate classification (germline): Conflicting classifications of pathogenicity. Review status: criteria provided, conflicting classifications (1 of 4 stars). 5 submissions from 5 submitters: Likely pathogenic (1); Uncertain significance (3). 1 of the submissions does not count toward it. Last evaluated 2025-10-06.

Conditions:
Ceroid lipofuscinosis, neuronal, 6B (Kufs type). Also called: Neuronal ceroid lipofuscinosis 4A. Identifiers: Orphanet 700477, MedGen C5561927, MONDO:0008768, OMIM 204300.
Ceroid lipofuscinosis, neuronal, 6A. Also called: Neuronal ceroid lipofuscinosis, Gypsy/Indian early juvenile variant; Neuronal ceroid lipofuscinosis 6; CLN6-Related Neuronal Ceroid-Lipofuscinosis; Neuronal ceroid lipofuscinosis, late infantile, variant. Identifiers: Orphanet 168491, Orphanet 228363, MedGen C5551375, MONDO:0011144, OMIM 601780.
Neuronal ceroid lipofuscinosis. Also called: Neuronal Ceroid Lipofuscinoses. Identifiers: Orphanet 216, Orphanet 79263, MedGen C0027877, MONDO:0016295. Disease mechanism: loss of function.

Allele frequency attached by ClinVar (database versions not stated): gnomAD exomes below 0.00001; TOPMed below 0.00001.

Submissions (5):

Women's Health and Genetics/Laboratory Corporation of America, LabCorp
Classification: Uncertain significance. Last evaluated: 2025-10-06. Review status: criteria provided, single submitter. Criteria: LabCorp Variant Classification Summary - May 2015. Collection method: clinical testing. Allele origin: germline.
Comment: Variant summary: CLN6 c.506T>C (p.Leu169Pro) results in a non-conservative amino acid change in the encoded protein sequence. Algorithms developed to predict the effect of missense changes on protein structure and function are either unavailable or do not agree on the potential impact of this missense change. The variant allele was found at a frequency of 4e-06 in 250908 control chromosomes. The available data on variant occurrences in the general population are insufficient to allow any conclusion about variant significance. c.506T>C has been observed in at-least one individual affected with Neuronal Ceroid-Lipofuscinosis (Kousi_2012). These report(s) do not provide unequivocal conclusions about association of the variant with Neuronal Ceroid-Lipofuscinosis (Batten Disease). To our knowledge, no experimental evidence demonstrating an impact on protein function has been reported. The following publication has been ascertained in the context of this evaluation (PMID: 21990111). ClinVar contains an entry for this variant (Variation ID: 552060). Based on the evidence outlined above, the variant was classified as uncertain significance.

First Genomix Gene Laboratory, Genetic Diagnostics Department
Classification: Likely pathogenic for Ceroid lipofuscinosis, neuronal, 6A; Ceroid lipofuscinosis, neuronal, 6B (Kufs type). Last evaluated: 2025-09-03. Review status: criteria provided, single submitter. Criteria: ACMG Guidelines, 2015. Collection method: clinical testing. Allele origin: germline. Inheritance: Autosomal recessive inheritance. Affected: no. Observed: 1 variant allele.

Labcorp Genetics (formerly Invitae), Labcorp
Classification: Uncertain significance for Neuronal ceroid lipofuscinosis. Last evaluated: 2025-08-11. Review status: criteria provided, single submitter. Criteria: Invitae Variant Classification Sherloc (09022015). Collection method: clinical testing. Allele origin: germline.
Comment: This sequence change replaces leucine, which is neutral and non-polar, with proline, which is neutral and non-polar, at codon 169 of the CLN6 protein (p.Leu169Pro). This variant is present in population databases (no rsID available, gnomAD 0.0009%). This missense change has been observed in individual(s) with clinical features of neuronal ceroid lipofuscinoses (PMID: 21990111). ClinVar contains an entry for this variant (Variation ID: 552060). Invitae Evidence Modeling of protein sequence and biophysical properties (such as structural, functional, and spatial information, amino acid conservation, physicochemical variation, residue mobility, and thermodynamic stability) has been performed for this missense variant. However, the output from this modeling did not meet the statistical confidence thresholds required to predict the impact of this variant on CLN6 protein function. In summary, the available evidence is currently insufficient to determine the role of this variant in disease. Therefore, it has been classified as a Variant of Uncertain Significance.

Blueprint Genetics
Classification: Uncertain significance. Last evaluated: 2024-02-01. Review status: criteria provided, single submitter. Criteria: ACMG Guidelines, 2015. Collection method: clinical testing. Allele origin: germline.

Counsyl
Classification: Uncertain significance for Ceroid lipofuscinosis, neuronal, 6A. Last evaluated: 2017-05-19. Review status: no assertion criteria provided. Collection method: clinical testing. Allele origin: unknown. Not counted in ClinVar's aggregate classification.

Literature cited by the submitters: PubMed 21990111 (cited by 3 submitters).

NM_017882.3(CLN6):c.506T>C (p.Leu169Pro)

Gene: CLN6 (CLN6 transmembrane ER protein; minus strand). Cytogenetic location: 15q23.
Variant type: single nucleotide variant.
Coding change: c.506T>C on transcript NM_017882.3 (MANE Select); coding-DNA position 506, T replaced by C.
Protein change: p.Leu169Pro; replaces leucine 169 with proline.
Molecular consequence: missense variant.
Genome position (GRCh38, 1-based): chr15:68,211,299, A>G on the plus strand (T>C on the coding strand, the complement: CLN6 is on the minus strand). VCF-style: chr15-68211299-A-G. GRCh37 (hg19) VCF-style: chr15-68503637-A-G.
Other names: short protein forms L169P.
Identifiers: ClinVar variation 552060 (VCV000552060.5), dbSNP rs1344658850, ClinGen allele CA392973186.